The following is an entry in ClinVar:

NM_012275.3(IL36RN):c.116-87T>C

Gene: IL36RN (interleukin 36 receptor antagonist; plus strand). Cytogenetic location: 2q14.1.
Variant type: single nucleotide variant.
Coding change: c.116-87T>C on transcript NM_012275.3 (MANE Select); 87 bases into the intron before coding-DNA position 116, T replaced by C.
Molecular consequence: intron variant.
Genome position (GRCh38, 1-based): chr2:113,062,037, T>C. VCF-style: chr2-113062037-T-C. GRCh37 (hg19) VCF-style: chr2-113819614-T-C.
Other names: c.116-87T>C (NM_173170.1).
Identifiers: ClinVar variation 2688401 (VCV002688401.2), dbSNP rs2252007, ClinGen allele CA11025257.

ClinVar aggregate classification (germline): Benign (1 of 4 stars; one submission).

Allele frequency attached by ClinVar (database versions not stated): gnomAD exomes 0.64070; gnomAD 0.68978; TOPMed 0.69917; 1000 Genomes Project 30x 0.79903; 1000 Genomes Project 0.80351.

Submission:

Unidad de Genómica Garrahan, Hospital de Pediatría Garrahan
Classification: Benign. Last evaluated: 2024-01-24. Review status: criteria provided, single submitter. Criteria: ACMG Guidelines, 2015. Collection method: clinical testing. Allele origin: germline. Affected: no. Observed: 85 variant alleles.
Comment: This variant is classified as Benign based on local population frequency. This variant was detected in 97% of patients studied by a panel of primary immunodeficiencies. Number of patients: 85. Only high quality variants are reported.